The following is an entry in ClinVar:

NM_001374736.1(DST):c.14451G>T (p.Trp4817Cys)

Gene: DST (dystonin; minus strand). Cytogenetic location: 6p12.1.
Variant type: single nucleotide variant.
Coding change: c.14451G>T on transcript NM_001374736.1 (MANE Select); coding-DNA position 14451, G replaced by T.
Protein change: p.Trp4817Cys; replaces tryptophan 4817 with cysteine.
Molecular consequence: missense variant.
Genome position (GRCh38, 1-based): chr6:56,557,508, C>A on the plus strand (G>T on the coding strand, the complement: DST is on the minus strand). VCF-style: chr6-56557508-C-A. GRCh37 (hg19) VCF-style: chr6-56422306-C-A.
Other names: c.8094G>T, p.Trp2698Cys (NM_001144769.5); c.7680G>T, p.Trp2560Cys (NM_001144770.2); c.14451G>T, p.Trp4817Cys (NM_001374722.1); c.13818G>T, p.Trp4606Cys (NM_001374729.1); c.7560G>T, p.Trp2520Cys (NM_001374730.1, NM_001386100.1, NM_183380.4); c.14478G>T, p.Trp4826Cys (NM_001374734.1); c.6582G>T, p.Trp2194Cys (NM_015548.5); short protein forms W2194C, W4817C, W2698C, W4826C, W4606C, W2520C, W2560C.
Identifiers: ClinVar variation 1761965 (VCV001761965.2), dbSNP rs568742980, ClinGen allele CA139208226.
Genomic context (GRCh38, chr6:56,557,508, plus strand): 5'-ATTATTGGAGGATTCTTCCAGTTTTTGTTGTCTATCAATTGTTAATTGATTGAGTTCTTG[C>A]CACTTAGAATCTAAAAGAAAAAAAATGAAACTGGTGTTTGACATTTTTTGCATTTAACAT-3'
Protein context (NP_001361665.1, residues 4807-4827): KQMLTEIDSK[Trp4817Cys]QELNQLTIDR

ClinVar aggregate classification (germline): Uncertain significance (1 of 4 stars; one submission).

Conditions:
Inborn genetic diseases. Identifiers: MedGen C0950123, MeSH D030342.

Allele frequency attached by ClinVar (database versions not stated): gnomAD 0.00001; 1000 Genomes Project 30x 0.00016; 1000 Genomes Project 0.00020.
gnomAD v4.1: 1 of 1,607,842 alleles (0.000062%); highest among the groups gnomAD compares: East Asian, 0.0022%; no homozygotes.

Submission:

Ambry Genetics
Classification: Uncertain significance for Inborn genetic diseases. Last evaluated: 2020-03-09. Review status: criteria provided, single submitter. Criteria: Ambry Variant Classification Scheme 2023. Collection method: clinical testing. Allele origin: germline.
Comment: The p.W2698C variant (also known as c.8094G>T), located in coding exon 53 of the DST gene, results from a G to T substitution at nucleotide position 8094. The tryptophan at codon 2698 is replaced by cysteine, an amino acid with highly dissimilar properties. This amino acid position is highly conserved in available vertebrate species. In addition, this alteration is predicted to be deleterious by in silico analysis. Since supporting evidence is limited at this time, the clinical significance of this alteration remains unclear.